The following is an entry in ClinVar:

ClinVar aggregate classification (germline): Likely pathogenic (1 of 4 stars; one submission).

Submission:

Labcorp Genetics (formerly Invitae), Labcorp
Classification: Likely pathogenic. Last evaluated: 2021-04-11. Review status: criteria provided, single submitter. Criteria: Invitae Variant Classification Sherloc (09022015). Collection method: clinical testing. Allele origin: germline.
Comment: In summary, the currently available evidence indicates that the variant is pathogenic, but additional data are needed to prove that conclusively. Therefore, this variant has been classified as Likely Pathogenic. This variant has not been reported in the literature in individuals with EDNRB-related conditions. This variant is not present in population databases (ExAC no frequency). This sequence change affects a donor splice site in intron 3 of the EDNRB gene. It is expected to disrupt RNA splicing. Variants that disrupt the donor or acceptor splice site typically lead to a loss of protein function (PMID: 16199547), and loss-of-function variants in EDNRB are known to be pathogenic (PMID: 8001159, 20127975).

Literature cited by the submitters: PubMed 16199547; PubMed 8001159; PubMed 20127975.

NM_001122659.3(EDNRB):c.596+2T>C

Genes: EDNRB (endothelin receptor type B; minus strand), EDNRB-AS1 (EDNRB antisense RNA 1; plus strand). Cytogenetic location: 13q22.3.
Variant type: single nucleotide variant.
Coding change: c.596+2T>C on transcript NM_001122659.3 (MANE Select); the canonical splice donor site of the intron after coding-DNA position 596, T replaced by C.
Molecular consequence: splice donor variant.
Genome position (GRCh38, 1-based): chr13:77,903,493, A>G on the plus strand (T>C on the coding strand, the complement: EDNRB is on the minus strand). VCF-style: chr13-77903493-A-G. GRCh37 (hg19) VCF-style: chr13-78477628-A-G.
Other names: c.596+2T>C (NM_000115.5, NM_003991.4); c.866+2T>C (NM_001201397.2).
Identifiers: ClinVar variation 1510402 (VCV001510402.8), dbSNP rs2137611873, ClinGen allele CA388451263.